The following is an entry in ClinVar:

ClinVar aggregate classification (germline): Uncertain significance (1 of 4 stars; one submission).

Submission:

GeneDx
Classification: Uncertain significance. Last evaluated: 2022-04-19. Review status: criteria provided, single submitter. Criteria: GeneDx Variant Classification Process June 2021. Collection method: clinical testing. Allele origin: germline. Affected: yes.
Comment: Not observed at significant frequency in large population cohorts (gnomAD); In silico analysis supports that this missense variant has a deleterious effect on protein structure/function; Has not been previously published as pathogenic or benign to our knowledge

NM_133261.3(GIPC3):c.281G>T (p.Gly94Val)

Gene: GIPC3 (GIPC PDZ domain containing family member 3; plus strand). Cytogenetic location: 19p13.3.
Variant type: single nucleotide variant.
Coding change: c.281G>T on transcript NM_133261.3 (MANE Select); coding-DNA position 281, G replaced by T.
Protein change: p.Gly94Val; replaces glycine 94 with valine.
Molecular consequence: missense variant.
Genome position (GRCh38, 1-based): chr19:3,586,550, G>T. VCF-style: chr19-3586550-G-T. GRCh37 (hg19) VCF-style: chr19-3586548-G-T.
Other names: c.281G>T, p.Gly94Val (NM_001411144.1); short protein forms G94V.
Identifiers: ClinVar variation 1711963 (VCV001711963.2), dbSNP rs763523474, ClinGen allele CA403361186.